The following is an entry in ClinVar:

ClinVar aggregate classification (germline): Uncertain significance (1 of 4 stars; one submission).

Submission:

Labcorp Genetics (formerly Invitae), Labcorp
Classification: Uncertain significance. Last evaluated: 2022-08-17. Review status: criteria provided, single submitter. Criteria: Invitae Variant Classification Sherloc (09022015). Collection method: clinical testing. Allele origin: germline.
Comment: This sequence change replaces leucine, which is neutral and non-polar, with valine, which is neutral and non-polar, at codon 240 of the RARS2 protein (p.Leu240Val). This variant is not present in population databases (gnomAD no frequency). This variant has not been reported in the literature in individuals affected with RARS2-related conditions. Advanced modeling of protein sequence and biophysical properties (such as structural, functional, and spatial information, amino acid conservation, physicochemical variation, residue mobility, and thermodynamic stability) performed at Invitae indicates that this missense variant is not expected to disrupt RARS2 protein function. In summary, the available evidence is currently insufficient to determine the role of this variant in disease. Therefore, it has been classified as a Variant of Uncertain Significance.

NM_020320.5(RARS2):c.718C>G (p.Leu240Val)

Gene: RARS2 (arginyl-tRNA synthetase 2, mitochondrial; minus strand). Cytogenetic location: 6q15.
Variant type: single nucleotide variant.
Coding change: c.718C>G on transcript NM_020320.5 (MANE Select); coding-DNA position 718, C replaced by G.
Protein change: p.Leu240Val; replaces leucine 240 with valine.
Molecular consequence: missense variant. On other transcripts: non-coding transcript variant (23).
Genome position (GRCh38, 1-based): chr6:87,530,837, G>C on the plus strand (C>G on the coding strand, the complement: RARS2 is on the minus strand). VCF-style: chr6-87530837-G-C. GRCh37 (hg19) VCF-style: chr6-88240555-G-C.
Other names: c.193C>G, p.Leu65Val (NM_001318785.2, NM_001350506.2, NM_001350507.2 and 4 more transcripts); c.718C>G, p.Leu240Val (NM_001350505.2); short protein forms L240V, L65V.
Identifiers: ClinVar variation 1716638 (VCV001716638.5), dbSNP rs2483590574, ClinGen allele CA364929411.